The following is an entry in ClinVar:

ClinVar aggregate classification (germline): Uncertain significance. Review status: criteria provided, multiple submitters, no conflicts (2 of 4 stars). 2 submissions from 2 submitters: Uncertain significance (2). Last evaluated 2025-11-18.

Conditions:
Episodic ataxia type 2 (EA2). Also called: ACETAZOLAMIDE-RESPONSIVE HEREDITARY PAROXYSMAL CEREBELLAR ATAXIA; EPISODIC ATAXIA, NYSTAGMUS-ASSOCIATED; ATAXIA, EPISODIC, WITH NYSTAGMUS; ATAXIA, FAMILIAL PAROXYSMAL; CEREBELLAR ATAXIA, PAROXYSMAL, ACETAZOLAMIDE-RESPONSIVE; CEREBELLOPATHY, HEREDITARY PAROXYSMAL. Identifiers: Orphanet 97, MedGen C1720416, MONDO:0007163, OMIM 108500.
Developmental and epileptic encephalopathy, 42 (DEE42A). Also called: DEVELOPMENTAL AND EPILEPTIC ENCEPHALOPATHY 42A; EPILEPTIC ENCEPHALOPATHY, EARLY INFANTILE, 42A; Epileptic encephalopathy, early infantile, 42. Identifiers: MedGen C4310716, MONDO:0014917, OMIM 617106.

Allele frequency attached by ClinVar (database versions not stated): gnomAD exomes below 0.00001; ExAC 0.00001; TOPMed 0.00001; gnomAD 0.00002.
gnomAD v4.1: 8 of 1,612,760 alleles (0.0005%); highest among the groups gnomAD compares: Admixed American, 0.005%; no homozygotes.

Submissions (2):

GeneDx
Classification: Uncertain significance. Last evaluated: 2025-11-18. Review status: criteria provided, single submitter. Criteria: GeneDx Variant Classification Process June 2021. Collection method: clinical testing. Allele origin: germline.
Comment: Not observed at significant frequency in large population cohorts (gnomAD); In silico analysis supports that this missense variant has a deleterious effect on protein structure/function; Has not been previously published as pathogenic or benign to our knowledge; This variant is associated with the following publications: (PMID: Maksemous2019[CaseReport])

Labcorp Genetics (formerly Invitae), Labcorp
Classification: Uncertain significance for Developmental and epileptic encephalopathy, 42; Episodic ataxia type 2. Last evaluated: 2023-12-11. Review status: criteria provided, single submitter. Criteria: Invitae Variant Classification Sherloc (09022015). Collection method: clinical testing. Allele origin: germline.
Comment: This sequence change replaces arginine, which is basic and polar, with tryptophan, which is neutral and slightly polar, at codon 1049 of the CACNA1A protein (p.Arg1049Trp). This variant is present in population databases (rs753402026, gnomAD 0.003%). This variant has not been reported in the literature in individuals affected with CACNA1A-related conditions. ClinVar contains an entry for this variant (Variation ID: 1439128). Advanced modeling of protein sequence and biophysical properties (such as structural, functional, and spatial information, amino acid conservation, physicochemical variation, residue mobility, and thermodynamic stability) has been performed at Invitae for this missense variant, however the output from this modeling did not meet the statistical confidence thresholds required to predict the impact of this variant on CACNA1A protein function. In summary, the available evidence is currently insufficient to determine the role of this variant in disease. Therefore, it has been classified as a Variant of Uncertain Significance.

NM_001127222.2(CACNA1A):c.3142C>T (p.Arg1048Trp)

Gene: CACNA1A (calcium voltage-gated channel subunit alpha1 A; minus strand). Cytogenetic location: 19p13.13.
Variant type: single nucleotide variant.
Coding change: c.3142C>T on transcript NM_001127222.2 (MANE Select); coding-DNA position 3142, C replaced by T.
Protein change: p.Arg1048Trp; replaces arginine 1048 with tryptophan.
Molecular consequence: missense variant.
Genome position (GRCh38, 1-based): chr19:13,286,914, G>A on the plus strand (C>T on the coding strand, the complement: CACNA1A is on the minus strand). VCF-style: chr19-13286914-G-A. GRCh37 (hg19) VCF-style: chr19-13397728-G-A.
Other names: c.3145C>T (NM_001127221.1); c.3154C>T, p.Arg1052Trp (NM_000068.4, NM_023035.3); c.3145C>T, p.Arg1049Trp (NM_001127221.2, NM_001174080.2); short protein forms R1048W, R1049W, R1052W.
Identifiers: ClinVar variation 1439128 (VCV001439128.9), dbSNP rs753402026, ClinGen allele CA9240399.